The following is an entry in ClinVar:

NM_213649.2(SFXN4):c.823C>T (p.Gln275Ter)

Gene: SFXN4 (sideroflexin 4; minus strand). Cytogenetic location: 10q26.11.
Variant type: single nucleotide variant.
Coding change: c.823C>T on transcript NM_213649.2 (MANE Select); coding-DNA position 823, C replaced by T.
Protein change: p.Gln275Ter; replaces glutamine 275 with a stop codon.
Molecular consequence: nonsense. On other transcripts: non-coding transcript variant (1).
Genome position (GRCh38, 1-based): chr10:119,146,349, G>A on the plus strand (C>T on the coding strand, the complement: SFXN4 is on the minus strand). VCF-style: chr10-119146349-G-A. GRCh37 (hg19) VCF-style: chr10-120905861-G-A.
Other names: short protein forms Q275*.
Identifiers: ClinVar variation 3381959 (VCV003381959.2).

ClinVar aggregate classification (germline): Likely pathogenic (1 of 4 stars; one submission).

Conditions:
Growth and developmental delay-hypotonia-vision impairment-lactic acidosis syndrome. Also called: Combined oxidative phosphorylation deficiency 18. Identifiers: Orphanet 391348, MedGen C3810001, MONDO:0014261, OMIM 615578.

Submission:

Juno Genomics, Hangzhou Juno Genomics, Inc
Classification: Likely pathogenic for Growth and developmental delay-hypotonia-vision impairment-lactic acidosis syndrome. Review status: criteria provided, single submitter. Criteria: ACMG Guidelines, 2015. Collection method: clinical testing. Allele origin: germline. Affected: yes.
Comment: Null variant in a gene where loss of function (LOF) is a known mechanism of disease.;Absent from controls (or at extremely low frequency if recessive) in Genome Aggregation Database, Exome Sequencing Project, 1000 Genomes Project, or Exome Aggregation Consortium.